The following is an entry in ClinVar:

NM_001399.5(EDA):c.396+4dup

Gene: EDA (ectodysplasin A; plus strand). Cytogenetic location: Xq13.1.
Variant type: Duplication.
Coding change: c.396+4dup on transcript NM_001399.5 (MANE Select); 4 bases into the intron after coding-DNA position 396, one base duplicated (A; older notation c.396+4dupA).
Molecular consequence: intron variant.
Genome position (GRCh38, 1-based): chrX:69,616,708, A duplicated. VCF-style (leftmost placement, unchanged base first): chrX-69616707-G-GA. GRCh37 (hg19) VCF-style: chrX-68836551-G-GA.
Other names: c.396+4dup (NM_001005609.2, NM_001005612.3, NM_001005613.4 and 1 more transcripts); c.396+4dupA (NM_001399.4).
Identifiers: ClinVar variation 574959 (VCV000574959.8), dbSNP rs1569272528, ClinGen allele CA891843601.
Genomic context (GRCh38, chrX:69,616,707, plus strand): 5'-GCAGCCATTGGAACCGGGAGAAGCCGCACTCCACTCTGACTCCCAGGACGGGCACCAGGT[G>GA]AGTCACCTAGTAGGGGCGGCGGCGGCCCCCTCCCCTCGCGGGTAGGGCGAGGGCCCTCCG-3'

ClinVar aggregate classification (germline): Pathogenic (1 of 4 stars; one submission).

Conditions:
Hypohidrotic X-linked ectodermal dysplasia (XHED). Also called: Anhidrotic ectodermal dysplasia X-linked; Christ Siemens Touraine syndrome; Christ-Siemans-Touraine syndrome; ECTODERMAL DYSPLASIA 1; ECTODERMAL DYSPLASIA, HYPOHIDROTIC, 1; CST SYNDROME. Identifiers: Orphanet 181, Orphanet 238468, MedGen C0162359, MONDO:0010585, OMIM 305100.

Submission:

Labcorp Genetics (formerly Invitae), Labcorp
Classification: Pathogenic for Hypohidrotic X-linked ectodermal dysplasia. Last evaluated: 2018-06-22. Review status: criteria provided, single submitter. Criteria: Invitae Variant Classification Sherloc (09022015). Collection method: clinical testing. Allele origin: germline.
Comment: For these reasons, this variant has been classified as Pathogenic. Nucleotide substitutions within the consensus splice site are a relatively common cause of aberrant splicing (PMID: 17576681, 9536098). Algorithms developed to predict the effect of sequence changes on RNA splicing suggest that this variant may disrupt the consensus splice site, but this prediction has not been confirmed by published transcriptional studies. A similar variant (c.396+5G>A) has also been observed in an individual affected with ectodermal dysplasia (PMID: 26502894). This variant is not present in population databases (ExAC no frequency). This sequence change falls in intron 1 of the EDA gene. It does not directly change the encoded amino acid sequence of the EDA protein, but it affects a nucleotide within the consensus splice site of the intron.

Literature cited by the submitters: PubMed 17576681; PubMed 9536098; PubMed 26502894.